The following is an entry in ClinVar:

ClinVar aggregate classification (germline): Uncertain significance (1 of 4 stars; one submission).

Conditions:
Renal coloboma syndrome (PAPRS). Also called: PAPILLORENAL SYNDROME; OPTIC COLOBOMA, VESICOURETERAL REFLUX, AND RENAL ANOMALIES; OPTIC NERVE COLOBOMA WITH RENAL DISEASE; PAPILLORENAL SYNDROME WITH MILD OCULAR ABNORMALITIES; CONGENITAL ANOMALIES OF THE KIDNEY AND URINARY TRACT WITH OR WITHOUT OCULAR ABNORMALITIES; CAKUT WITH OR WITHOUT OCULAR ABNORMALITIES. Identifiers: Orphanet 1475, MedGen C1852759, MONDO:0007352, OMIM 120330.
Focal segmental glomerulosclerosis 7 (FSGS7). Identifiers: Orphanet 656, MedGen C4014925, MONDO:0014451, OMIM 616002.

Submission:

Labcorp Genetics (formerly Invitae), Labcorp
Classification: Uncertain significance for Renal coloboma syndrome; Focal segmental glomerulosclerosis 7. Last evaluated: 2022-10-11. Review status: criteria provided, single submitter. Criteria: Invitae Variant Classification Sherloc (09022015). Collection method: clinical testing. Allele origin: germline.
Comment: In summary, the available evidence is currently insufficient to determine the role of this variant in disease. Therefore, it has been classified as a Variant of Uncertain Significance. Experimental studies and prediction algorithms are not available or were not evaluated, and the functional significance of this variant is currently unknown. This variant has not been reported in the literature in individuals affected with PAX2-related conditions. Information on the frequency of this variant in the gnomAD database is not available, as this variant may be reported differently in the database. This sequence change replaces asparagine, which is neutral and polar, with serine, which is neutral and polar, at codon 266 of the PAX2 protein (p.Asn266Ser).

NM_000278.5(PAX2):c.797_798inv (p.Asn266Ser)

Gene: PAX2 (paired box 2; plus strand). Cytogenetic location: 10q24.31.
Variant type: Inversion.
Coding change: c.797_798inv on transcript NM_000278.5 (MANE Select).
Protein change: p.Asn266Ser; replaces asparagine 266 with serine.
Molecular consequence: missense variant.
Genome position: GRCh38 VCF-style: chr10-100809114-AC-GT. GRCh37 (hg19) VCF-style: chr10-102568871-AC-GT.
Other names: c.890_891inv, p.Asn297Ser (NM_001304569.2); c.866_867inv, p.Asn289Ser (NM_003987.5, NM_003990.5); c.797_798inv, p.Asn266Ser (NM_003988.5, NM_003989.5); short protein forms N266S, N289S, N297S.
Identifiers: ClinVar variation 2420636 (VCV002420636.6), ClinGen allele CA2580081090.